The following is an entry in ClinVar:

ClinVar aggregate classification (germline): Likely benign. Review status: criteria provided, multiple submitters, no conflicts (2 of 4 stars). 2 submissions from 2 submitters: Likely benign (2). Last evaluated 2026-07-07.

Conditions:
Rhabdoid tumor predisposition syndrome 2 (RTPS2). Identifiers: Orphanet 231108, Orphanet 69077, MedGen C2750074, MONDO:0013224, OMIM 613325.

Allele frequency attached by ClinVar (database versions not stated): gnomAD exomes 0.00001; ExAC 0.00001; gnomAD 0.00001; TOPMed 0.00003.
gnomAD v4.1: 22 of 1,610,136 alleles (0.0014%); highest among the groups gnomAD compares: Non-Finnish European, 0.0017%; no homozygotes.

Submissions (2):

Myriad Genetics, Inc.
Classification: Likely benign for Rhabdoid tumor predisposition syndrome 2. Last evaluated: 2026-07-07. Review status: criteria provided, single submitter. Criteria: Myriad Autosomal Dominant, Autosomal Recessive and X-Linked Classification Criteria (2023). Collection method: clinical testing. Allele origin: unknown.
Comment: This variant is considered likely benign. This variant is intronic and is not expected to impact mRNA splicing. This variant has been observed at a population frequency that is significantly greater than expected given the associated disease prevalence and penetrance.

Labcorp Genetics (formerly Invitae), Labcorp
Classification: Likely benign for Rhabdoid tumor predisposition syndrome 2. Last evaluated: 2026-02-03. Review status: criteria provided, single submitter. Criteria: Invitae Variant Classification Sherloc (09022015). Collection method: clinical testing. Allele origin: germline.

NM_003072.5(SMARCA4):c.2439-20T>A

Gene: SMARCA4 (SWI/SNF related BAF chromatin remodeling complex subunit ATPase 4; plus strand). Cytogenetic location: 19p13.2.
Variant type: single nucleotide variant.
Coding change: c.2439-20T>A on transcript NM_003072.5 (MANE Select); 20 bases into the intron before coding-DNA position 2439, T replaced by A.
Molecular consequence: intron variant.
Genome position (GRCh38, 1-based): chr19:11,018,937, T>A. VCF-style: chr19-11018937-T-A. GRCh37 (hg19) VCF-style: chr19-11129613-T-A.
Other names: c.2439-20T>A (NM_001128844.3, NM_001128849.3, NM_001128847.4 and 5 more transcripts).
Identifiers: ClinVar variation 1591615 (VCV001591615.9), dbSNP rs766765378, ClinGen allele CA9204123.